The following is an entry in ClinVar:

ClinVar aggregate classification (germline): Uncertain significance (1 of 4 stars; one submission).

Submission:

Ambry Genetics
Classification: Uncertain significance. Last evaluated: 2025-03-11. Review status: criteria provided, single submitter. Criteria: Ambry Variant Classification Scheme 2023. Collection method: clinical testing. Allele origin: germline.
Comment: The p.N1884S variant (also known as c.5651A>G), located in coding exon 22 of the WNK2 gene, results from an A to G substitution at nucleotide position 5651. The asparagine at codon 1884 is replaced by serine, an amino acid with highly similar properties. This amino acid position is conserved. In addition, the in silico prediction for this alteration is inconclusive. Based on the available evidence, the clinical significance of this variant remains unclear.

NM_006648.4(WNK2):c.5651A>G (p.Asn1884Ser)

Gene: WNK2 (WNK lysine deficient protein kinase 2; plus strand). Cytogenetic location: 9q22.31.
Variant type: single nucleotide variant.
Coding change: c.5651A>G on transcript NM_006648.4 (MANE Select); coding-DNA position 5651, A replaced by G.
Protein change: p.Asn1884Ser; replaces asparagine 1884 with serine.
Molecular consequence: missense variant.
Genome position (GRCh38, 1-based): chr9:93,293,116, A>G. VCF-style: chr9-93293116-A-G. GRCh37 (hg19) VCF-style: chr9-96055398-A-G.
Other names: c.5762A>G, p.Asn1921Ser (NM_001282394.3); short protein forms N1921S, N1884S.
Identifiers: ClinVar variation 3817267 (VCV003817267.1).
Genomic context (GRCh38, chr9:93,293,116, plus strand): 5'-AGGTCCCCACGATCAGCGTGACCTCCTTCCATTCCCAGTCGTCCTACATCAGCAGCGACA[A>G]TGATTCGGAGCTCGAGGATGCTGACATAAAGAAGGAGCTGCAGAGTCTGCGGGAGAAGTA-3'
Protein context (NP_006639.3, residues 1874-1894): HSQSSYISSD[Asn1884Ser]DSELEDADIK